The following is an entry in ClinVar:

NM_000038.6(APC):c.6245A>C (p.Asp2082Ala)

Gene: APC (APC regulator of Wnt signaling pathway; plus strand). Cytogenetic location: 5q22.2.
Variant type: single nucleotide variant.
Coding change: c.6245A>C on transcript NM_000038.6 (MANE Select); coding-DNA position 6245, A replaced by C.
Protein change: p.Asp2082Ala; replaces aspartic acid 2082 with alanine.
Molecular consequence: missense variant. On other transcripts: non-coding transcript variant (2).
Genome position (GRCh38, 1-based): chr5:112,841,839, A>C. VCF-style: chr5-112841839-A-C. GRCh37 (hg19) VCF-style: chr5-112177536-A-C.
Other names: c.5867A>C, p.Asp1956Ala (NM_001354904.2); c.5765A>C, p.Asp1922Ala (NM_001354905.2); c.5396A>C, p.Asp1799Ala (NM_001354906.2, NM_001407470.1); c.6329A>C, p.Asp2110Ala (NM_001407446.1); c.6299A>C, p.Asp2100Ala (NM_001407447.1, NM_001407448.1, NM_001407449.1 and 1 more transcripts); c.6245A>C, p.Asp2082Ala (NM_001407450.1, NM_001127510.3, NM_001354895.2); c.6224A>C, p.Asp2075Ala (NM_001407451.1); c.6215A>C, p.Asp2072Ala (NM_001407452.1); and 11 more; short protein forms D1698A, D1922A, D1953A, D2057A, D2110A, D1956A, D1981A, D2054A.
Identifiers: ClinVar variation 2773433 (VCV002773433.2), dbSNP rs554370603, ClinGen allele CA16035009.

ClinVar aggregate classification (germline): Uncertain significance (1 of 4 stars; one submission).

Conditions:
Hereditary cancer-predisposing syndrome. Also called: Hereditary neoplastic syndrome; Hereditary Cancer Syndrome; Neoplastic Syndromes, Hereditary; Tumor predisposition. Identifiers: Orphanet 140162, MedGen C0027672, MeSH D009386, MONDO:0015356.

Submission:

Color Diagnostics, LLC DBA Color Health
Classification: Uncertain significance for Hereditary cancer-predisposing syndrome. Last evaluated: 2022-12-13. Review status: criteria provided, single submitter. Criteria: ACMG Guidelines, 2015. Collection method: clinical testing. Allele origin: germline.
Comment: This missense variant replaces aspartic acid with alanine at codon 2082 of the APC protein. Computational prediction suggests that this variant may not impact protein structure and function (internally defined REVEL score threshold <= 0.5, PMID: 27666373). To our knowledge, functional studies have not been reported for this variant. This variant has not been reported in individuals affected with APC-related disorders in the literature. This variant has not been identified in the general population by the Genome Aggregation Database (gnomAD). The available evidence is insufficient to determine the role of this variant in disease conclusively. Therefore, this variant is classified as a Variant of Uncertain Significance.